The following is an entry in ClinVar:

ClinVar aggregate classification (germline): Conflicting classifications of pathogenicity. Review status: criteria provided, conflicting classifications (1 of 4 stars). 5 submissions from 5 submitters: Uncertain significance (4); Likely benign (1). Last evaluated 2025-01-17.

Conditions:
Inborn genetic diseases. Identifiers: MedGen C0950123, MeSH D030342.
Acute myeloid leukemia (AML). Also called: Acute myeloid leukemia, adult; AML adult; Acute non-lymphocytic leukemia; Acute granulocytic leukemia; Leukemia, acute myeloid, somatic; Leukemia, acute myelogenous, somatic. Identifiers: Orphanet 519, MedGen C0023467, MeSH D015470, MONDO:0018874, OMIM 601626, HP:0004808. Disease mechanism: Constitutively activated FLT3.

Allele frequency attached by ClinVar (database versions not stated): gnomAD exomes below 0.00001.

Submissions (5):

St. Jude Molecular Pathology, St. Jude Children's Research Hospital
Classification: Uncertain significance for Acute myeloid leukemia. Last evaluated: 2025-01-17. Review status: criteria provided, single submitter. Criteria: St. Jude Assertion Criteria 2020. Collection method: clinical testing. Allele origin: germline.
Comment: The CEBPA c.751A>G (p.Ser251Gly) missense change has a maximum subpopulation frequency of 0.009% in gnomAD v2.1.1. The in silico tool REVEL predicts a benign effect on protein function, but to our knowledge this prediction has not been confirmed by functional studies. To our knowledge, this variant has not been reported in the literature in individuals with familial acute myeloid leukemia. In summary, the evidence currently available is insufficient to determine the clinical significance of this variant. It has therefore been classified as of uncertain significance.

Ambry Genetics
Classification: Likely benign for Inborn genetic diseases. Last evaluated: 2024-11-20. Review status: criteria provided, single submitter. Criteria: Ambry Variant Classification Scheme 2023. Collection method: clinical testing. Allele origin: germline.

GeneDx
Classification: Uncertain significance. Last evaluated: 2024-08-07. Review status: criteria provided, single submitter. Criteria: GeneDx Variant Classification Process June 2021. Collection method: clinical testing. Allele origin: germline. Affected: yes.
Comment: Not observed at significant frequency in large population cohorts (gnomAD); In silico analysis indicates that this missense variant does not alter protein structure/function; Has not been previously published as pathogenic or benign to our knowledge

Labcorp Genetics (formerly Invitae), Labcorp
Classification: Uncertain significance for Acute myeloid leukemia. Last evaluated: 2024-01-31. Review status: criteria provided, single submitter. Criteria: Invitae Variant Classification Sherloc (09022015). Collection method: clinical testing. Allele origin: germline.
Comment: This sequence change replaces serine, which is neutral and polar, with glycine, which is neutral and non-polar, at codon 251 of the CEBPA protein (p.Ser251Gly). This variant is present in population databases (no rsID available, gnomAD 0.01%). This variant has not been reported in the literature in individuals affected with CEBPA-related conditions. ClinVar contains an entry for this variant (Variation ID: 863341). Algorithms developed to predict the effect of missense changes on protein structure and function output the following: SIFT: "Not Available"; PolyPhen-2: "Benign"; Align-GVGD: "Not Available". The glycine amino acid residue is found in multiple mammalian species, which suggests that this missense change does not adversely affect protein function. In summary, the available evidence is currently insufficient to determine the role of this variant in disease. Therefore, it has been classified as a Variant of Uncertain Significance.

Baylor Genetics
Classification: Uncertain significance for Acute myeloid leukemia. Last evaluated: 2023-08-16. Review status: criteria provided, single submitter. Criteria: ACMG Guidelines, 2015. Collection method: clinical testing. Allele origin: unknown.

NM_004364.5(CEBPA):c.751A>G (p.Ser251Gly)

Gene: CEBPA (CCAAT enhancer binding protein alpha; minus strand). Cytogenetic location: 19q13.11.
Variant type: single nucleotide variant.
Coding change: c.751A>G on transcript NM_004364.5 (MANE Select); coding-DNA position 751, A replaced by G.
Protein change: p.Ser251Gly; replaces serine 251 with glycine.
Molecular consequence: missense variant.
Genome position (GRCh38, 1-based): chr19:33,301,664, T>C on the plus strand (A>G on the coding strand, the complement: CEBPA is on the minus strand). VCF-style: chr19-33301664-T-C. GRCh37 (hg19) VCF-style: chr19-33792570-T-C.
Other names: c.394A>G, p.Ser132Gly (NM_001285829.2); c.856A>G, p.Ser286Gly (NM_001287424.2); c.709A>G, p.Ser237Gly (NM_001287435.2); c.751A>G (NM_004364.3); short protein forms S132G, S237G, S251G, S286G.
Identifiers: ClinVar variation 863341 (VCV000863341.14), dbSNP rs1382832060, ClinGen allele CA405274290.